The following is an entry in ClinVar:

NM_144701.3(IL23R):c.1105A>G (p.Ile369Val)

Gene: IL23R (interleukin 23 receptor; plus strand). Cytogenetic location: 1p31.3.
Variant type: single nucleotide variant.
Coding change: c.1105A>G on transcript NM_144701.3 (MANE Select); coding-DNA position 1105, A replaced by G.
Protein change: p.Ile369Val; replaces isoleucine 369 with valine.
Molecular consequence: missense variant.
Genome position (GRCh38, 1-based): chr1:67,240,238, A>G. VCF-style: chr1-67240238-A-G. GRCh37 (hg19) VCF-style: chr1-67705921-A-G.
Other names: short protein forms I369V.
Identifiers: ClinVar variation 1716352 (VCV001716352.5), dbSNP rs1651763018, ClinGen allele CA340725860.

ClinVar aggregate classification (germline): Uncertain significance (1 of 4 stars; one submission).

Submission:

Labcorp Genetics (formerly Invitae), Labcorp
Classification: Uncertain significance. Last evaluated: 2022-08-21. Review status: criteria provided, single submitter. Criteria: Invitae Variant Classification Sherloc (09022015). Collection method: clinical testing. Allele origin: germline.
Comment: This sequence change replaces isoleucine, which is neutral and non-polar, with valine, which is neutral and non-polar, at codon 369 of the IL23R protein (p.Ile369Val). This variant is not present in population databases (gnomAD no frequency). In summary, the available evidence is currently insufficient to determine the role of this variant in disease. Therefore, it has been classified as a Variant of Uncertain Significance. Algorithms developed to predict the effect of missense changes on protein structure and function output the following: SIFT: "Tolerated"; PolyPhen-2: "Benign"; Align-GVGD: "Class C0". The valine amino acid residue is found in multiple mammalian species, which suggests that this missense change does not adversely affect protein function. This variant has not been reported in the literature in individuals affected with IL23R-related conditions.